The following is an entry in ClinVar:

NM_000180.4(GUCY2D):c.209G>C (p.Arg70Pro)

Gene: GUCY2D (guanylate cyclase 2D, retinal; plus strand). Cytogenetic location: 17p13.1.
Variant type: single nucleotide variant.
Coding change: c.209G>C on transcript NM_000180.4 (MANE Select); coding-DNA position 209, G replaced by C.
Protein change: p.Arg70Pro; replaces arginine 70 with proline.
Molecular consequence: missense variant.
Genome position (GRCh38, 1-based): chr17:8,003,256, G>C. VCF-style: chr17-8003256-G-C. GRCh37 (hg19) VCF-style: chr17-7906574-G-C.
Other names: short protein forms R70P.
Identifiers: ClinVar variation 2948739 (VCV002948739.3), dbSNP rs2545417545, ClinGen allele CA397942968.

ClinVar aggregate classification (germline): Uncertain significance (1 of 4 stars; one submission).

Conditions:
Cone-rod dystrophy 6 (CORD6). Also called: Cone dystrophy progressive; RETINAL CONE DYSTROPHY 2. Identifiers: Orphanet 1872, MedGen C1866293, MONDO:0011143, OMIM 601777.
Leber congenital amaurosis 1 (LCA1). Also called: Congenital absence of the rods and cones; Leber's congenital tapetoretinal degeneration; Leber's congenital tapetoretinal dysplasia; AMAUROSIS CONGENITA OF LEBER I; RETINAL BLINDNESS, CONGENITAL. Identifiers: Orphanet 65, MedGen C2931258, MONDO:0008764, OMIM 204000.

Submission:

Labcorp Genetics (formerly Invitae), Labcorp
Classification: Uncertain significance for Leber congenital amaurosis 1; Cone-rod dystrophy 6. Last evaluated: 2023-06-10. Review status: criteria provided, single submitter. Criteria: Invitae Variant Classification Sherloc (09022015). Collection method: clinical testing. Allele origin: germline.
Comment: In summary, the available evidence is currently insufficient to determine the role of this variant in disease. Therefore, it has been classified as a Variant of Uncertain Significance. Advanced modeling of protein sequence and biophysical properties (such as structural, functional, and spatial information, amino acid conservation, physicochemical variation, residue mobility, and thermodynamic stability) performed at Invitae indicates that this missense variant is not expected to disrupt GUCY2D protein function. This variant has not been reported in the literature in individuals affected with GUCY2D-related conditions. This variant is not present in population databases (gnomAD no frequency). This sequence change replaces arginine, which is basic and polar, with proline, which is neutral and non-polar, at codon 70 of the GUCY2D protein (p.Arg70Pro).